The following is an entry in ClinVar:

ClinVar aggregate classification (germline): Uncertain significance. Review status: criteria provided, multiple submitters, no conflicts (2 of 4 stars). 2 submissions from 2 submitters: Uncertain significance (2). Last evaluated 2019-09-13.

Conditions:
Hereditary cancer-predisposing syndrome. Also called: Neoplastic Syndromes, Hereditary; Tumor predisposition; Hereditary Cancer Syndrome; Hereditary neoplastic syndrome. Identifiers: Orphanet 140162, MedGen C0027672, MeSH D009386, MONDO:0015356.

Submissions (2):

Color Diagnostics, LLC DBA Color Health
Classification: Uncertain significance for Hereditary cancer-predisposing syndrome. Last evaluated: 2019-09-13. Review status: criteria provided, single submitter. Criteria: ACMG Guidelines, 2015. Collection method: clinical testing. Allele origin: germline.
Comment: This missense variant replaces serine with tyrosine at codon 241 of the BARD1 protein. Computational prediction tool suggests that this variant may not impact protein structure and function (internally defined REVEL score threshold ≤0.5, PMID: 27666373). Splice site prediction tools suggest that this variant may not impact RNA splicing. To our knowledge, functional studies have not been performed for this variant. This variant has not been reported in individuals affected with hereditary cancer in the literature. This variant has not been identified in the general population by the Genome Aggregation Database (gnomAD). The available evidence is insufficient to determine the role of this variant in disease conclusively. Therefore, this variant is classified as a Variant of Uncertain Significance.

Ambry Genetics
Classification: Uncertain significance for Hereditary cancer-predisposing syndrome. Last evaluated: 2017-11-09. Review status: criteria provided, single submitter. Criteria: Ambry Variant Classification Scheme 2023. Collection method: clinical testing. Allele origin: germline.
Comment: The p.S241Y variant (also known as c.722C>A), located in coding exon 4 of the BARD1 gene, results from a C to A substitution at nucleotide position 722. The serine at codon 241 is replaced by tyrosine, an amino acid with dissimilar properties. This amino acid position is well conserved in available vertebrate species. In addition, the in silico prediction for this alteration is inconclusive. Since supporting evidence is limited at this time, the clinical significance of this alteration remains unclear.

NM_000465.4(BARD1):c.722C>A (p.Ser241Tyr)

Gene: BARD1 (BRCA1 associated RING domain 1; minus strand). Cytogenetic location: 2q35.
Variant type: single nucleotide variant.
Coding change: c.722C>A on transcript NM_000465.4 (MANE Select); coding-DNA position 722, C replaced by A.
Protein change: p.Ser241Tyr; replaces serine 241 with tyrosine.
Molecular consequence: missense variant. On other transcripts: non-coding transcript variant (2), intron variant (3).
Genome position (GRCh38, 1-based): chr2:214,781,152, G>T on the plus strand (C>A on the coding strand, the complement: BARD1 is on the minus strand). VCF-style: chr2-214781152-G-T. GRCh37 (hg19) VCF-style: chr2-215645876-G-T.
Other names: c.665C>A, p.Ser222Tyr (NM_001282543.2); c.158+28260C>A (NM_001282548.2); c.215+15909C>A (NM_001282545.2); c.364+11145C>A (NM_001282549.2); short protein forms S241Y, S222Y.
Identifiers: ClinVar variation 232851 (VCV000232851.8), dbSNP rs3738885, ClinGen allele CA10577837.